The following is an entry in ClinVar:

ClinVar aggregate classification (germline): Pathogenic (1 of 4 stars; one submission).

Submission:

Labcorp Genetics (formerly Invitae), Labcorp
Classification: Pathogenic. Last evaluated: 2022-10-20. Review status: criteria provided, single submitter. Criteria: Invitae Variant Classification Sherloc (09022015). Collection method: clinical testing. Allele origin: germline.
Comment: For these reasons, this variant has been classified as Pathogenic. This variant has not been reported in the literature in individuals affected with FOXP1-related conditions. This variant is a gross deletion of the genomic region encompassing exon(s) 4-6 of the FOXP1 gene, which includes the initiator codon. This deletion extends beyond the assayed region for this gene and therefore may encompass additional genes. It is expected to result in an absent or disrupted protein product. Loss-of-function variants in FOXP1 are known to be pathogenic (PMID: 28735298).

Literature cited by the submitters: PubMed 28735298.

NC_000003.11:g.(?_71247333)_(71480567_?)del

Gene: FOXP1 (forkhead box P1; minus strand). Cytogenetic location: 3p13.
Variant type: Deletion.
Identifiers: ClinVar variation 2427058 (VCV002427058.4).